The following is an entry in ClinVar:

NM_017780.4(CHD7):c.865del (p.Thr289fs)

Gene: CHD7 (chromodomain helicase DNA binding protein 7; plus strand). Cytogenetic location: 8q12.2.
Variant type: Deletion.
Coding change: c.865del on transcript NM_017780.4 (MANE Select); coding-DNA position 865, one base deleted (A; older notation c.865delA).
Protein change: p.Thr289fs; shifts the reading frame from threonine 289.
Molecular consequence: frameshift variant.
Genome position (GRCh38, 1-based): chr8:60,742,297, A deleted; the last of 3 consecutive A bases (chr8:60,742,295-60,742,297); deleting any one gives the same sequence. VCF-style (leftmost placement, unchanged base first): chr8-60742294-CA-C. GRCh37 (hg19) VCF-style: chr8-61654853-CA-C.
Other names: c.865del, p.Thr289fs (NM_001316690.1); c.865delA, p.Thr289Profs (NM_017780.2); short protein forms T289fs.
Identifiers: ClinVar variation 4887946 (VCV004887946.1).

ClinVar aggregate classification (germline): Pathogenic (1 of 4 stars; one submission).

Submission:

GeneDx
Classification: Pathogenic. Last evaluated: 2026-02-22. Review status: criteria provided, single submitter. Criteria: GeneDx Variant Classification Process June 2021. Collection method: clinical testing. Allele origin: germline.
Comment: Frameshift variant predicted to result in protein truncation or nonsense mediated decay in a gene for which loss of function is a known mechanism of disease; Not observed at significant frequency in large population cohorts (gnomAD); This variant is associated with the following publications: (PMID: 21158681)